The following is an entry in ClinVar:

ClinVar aggregate classification (germline): Benign (0 of 4 stars; one submission).

Conditions:
CR1-related disorder. Also called: CR1-related condition.

Allele frequency attached by ClinVar (database versions not stated): ESP Exome Variant Server 0.16467; TOPMed 0.18678; gnomAD 0.18877; 1000 Genomes Project 30x 0.25750; 1000 Genomes Project 0.26278.
gnomAD v4.1: 313,529 of 1,613,748 alleles (19%); highest among the groups gnomAD compares: South Asian, 41%; 34,455 homozygotes.

Submission:

PreventionGenetics, part of Exact Sciences
Classification: Benign for CR1-related condition. Last evaluated: 2019-10-17. Review status: no assertion criteria provided. Collection method: clinical testing. Allele origin: germline.
Comment: This variant is classified as benign based on ACMG/AMP sequence variant interpretation guidelines (Richards et al. 2015 PMID: 25741868, with internal and published modifications).

NM_000651.6(CR1):c.6830C>G (p.Pro2277Arg)

Gene: CR1 (complement C3b/C4b receptor 1 (Knops blood group); plus strand). Cytogenetic location: 1q32.2.
Variant type: single nucleotide variant.
Coding change: c.6830C>G on transcript NM_000651.6 (MANE Select); coding-DNA position 6830, C replaced by G.
Protein change: p.Pro2277Arg; replaces proline 2277 with arginine.
Molecular consequence: missense variant.
Genome position (GRCh38, 1-based): chr1:207,616,743, C>G. VCF-style: chr1-207616743-C-G. GRCh37 (hg19) VCF-style: chr1-207790088-C-G.
Other names: c.5480C>G, p.Pro1827Arg (NM_000573.4, NM_001381851.1); short protein forms P1827R, P2277R.
Identifiers: ClinVar variation 3059361 (VCV003059361.2), dbSNP rs3811381, ClinGen allele CA1370594.